The following is an entry in ClinVar:

NM_003632.3(CNTNAP1):c.50C>T (p.Ala17Val)

Gene: CNTNAP1 (contactin associated protein 1; plus strand). Cytogenetic location: 17q21.2.
Variant type: single nucleotide variant.
Coding change: c.50C>T on transcript NM_003632.3 (MANE Select); coding-DNA position 50, C replaced by T.
Protein change: p.Ala17Val; replaces alanine 17 with valine.
Molecular consequence: missense variant.
Genome position (GRCh38, 1-based): chr17:42,682,879, C>T. VCF-style: chr17-42682879-C-T. GRCh37 (hg19) VCF-style: chr17-40834897-C-T.
Other names: short protein forms A17V.
Identifiers: ClinVar variation 1964702 (VCV001964702.5), dbSNP rs537059106, ClinGen allele CA8581397.

ClinVar aggregate classification (germline): Uncertain significance (1 of 4 stars; one submission).

Allele frequency attached by ClinVar (database versions not stated): gnomAD exomes 0.00001; ExAC 0.00004; 1000 Genomes Project 30x 0.00016; 1000 Genomes Project 0.00020.
gnomAD v4.1: 16 of 1,601,348 alleles (0.001%); highest among the groups gnomAD compares: African/African-American, 0.019%; no homozygotes.

Submission:

Labcorp Genetics (formerly Invitae), Labcorp
Classification: Uncertain significance. Last evaluated: 2022-06-07. Review status: criteria provided, single submitter. Criteria: Invitae Variant Classification Sherloc (09022015). Collection method: clinical testing. Allele origin: germline.
Comment: The frequency data for this variant in the population databases is considered unreliable, as metrics indicate poor data quality at this position in the gnomAD database. This sequence change replaces alanine, which is neutral and non-polar, with valine, which is neutral and non-polar, at codon 17 of the CNTNAP1 protein (p.Ala17Val). This variant has not been reported in the literature in individuals affected with CNTNAP1-related conditions. Algorithms developed to predict the effect of missense changes on protein structure and function output the following: SIFT: "Tolerated"; PolyPhen-2: "Benign"; Align-GVGD: "Class C0". The valine amino acid residue is found in multiple mammalian species, which suggests that this missense change does not adversely affect protein function. In summary, the available evidence is currently insufficient to determine the role of this variant in disease. Therefore, it has been classified as a Variant of Uncertain Significance.